The following is an entry in ClinVar:

NM_001042492.3(NF1):c.4258T>C (p.Ser1420Pro)

Gene: NF1 (neurofibromin 1; plus strand). Cytogenetic location: 17q11.2.
Variant type: single nucleotide variant.
Coding change: c.4258T>C on transcript NM_001042492.3 (MANE Select); coding-DNA position 4258, T replaced by C.
Protein change: p.Ser1420Pro; replaces serine 1420 with proline.
Molecular consequence: missense variant.
Genome position (GRCh38, 1-based): chr17:31,258,428, T>C. VCF-style: chr17-31258428-T-C. GRCh37 (hg19) VCF-style: chr17-29585446-T-C.
Other names: c.4195T>C, p.Ser1399Pro (NM_000267.4); short protein forms S1420P, S1399P.
Identifiers: ClinVar variation 457688 (VCV000457688.5), dbSNP rs1555618533, ClinGen allele CA398997921.

ClinVar aggregate classification (germline): Likely pathogenic (1 of 4 stars; one submission).

Conditions:
Neurofibromatosis, type 1 (NF1). Also called: VON RECKLINGHAUSEN DISEASE; NEUROFIBROMATOSIS, TYPE I, SOMATIC; Peripheral type neurofibromatosis; Neurofibromatosis, type I. Identifiers: Orphanet 636, MedGen C0027831, MONDO:0018975, OMIM 162200. Disease mechanism: loss of function.

Submission:

Labcorp Genetics (formerly Invitae), Labcorp
Classification: Likely pathogenic for Neurofibromatosis, type 1. Last evaluated: 2024-03-11. Review status: criteria provided, single submitter. Criteria: Invitae Variant Classification Sherloc (09022015). Collection method: clinical testing. Allele origin: germline.
Comment: This sequence change replaces serine, which is neutral and polar, with proline, which is neutral and non-polar, at codon 1399 of the NF1 protein (p.Ser1399Pro). This variant is not present in population databases (gnomAD no frequency). This missense change has been observed in individual(s) with neurofibromatosis type 1 (PMID: 17311297). ClinVar contains an entry for this variant (Variation ID: 457688). Advanced modeling of protein sequence and biophysical properties (such as structural, functional, and spatial information, amino acid conservation, physicochemical variation, residue mobility, and thermodynamic stability) performed at Invitae indicates that this missense variant is expected to disrupt NF1 protein function with a positive predictive value of 95%. In summary, the currently available evidence indicates that the variant is pathogenic, but additional data are needed to prove that conclusively. Therefore, this variant has been classified as Likely Pathogenic.

Literature cited by the submitters: PubMed 17311297.